The following is an entry in ClinVar:

NM_018834.6(MATR3):c.1010A>G (p.His337Arg)

Gene: MATR3 (matrin 3; plus strand). Cytogenetic location: 5q31.2.
Variant type: single nucleotide variant.
Coding change: c.1010A>G on transcript NM_018834.6 (MANE Select); coding-DNA position 1010, A replaced by G.
Protein change: p.His337Arg; replaces histidine 337 with arginine.
Molecular consequence: missense variant. On other transcripts: 5 prime UTR variant (1).
Genome position (GRCh38, 1-based): chr5:139,315,732, A>G. VCF-style: chr5-139315732-A-G. GRCh37 (hg19) VCF-style: chr5-138651421-A-G.
Other names: c.1010A>G, p.His337Arg (NM_001194954.2, NM_001194955.2, NM_199189.3); c.146A>G, p.His49Arg (NM_001194956.2); c.-5A>G (NM_001282278.2); short protein forms H337R, H49R.
Identifiers: ClinVar variation 760842 (VCV000760842.14), dbSNP rs553687055, ClinGen allele CA3432992.

ClinVar aggregate classification (germline): Likely benign. Review status: criteria provided, multiple submitters, no conflicts (2 of 4 stars). 3 submissions from 3 submitters: Likely benign (2). 1 of the submissions does not count toward it. Last evaluated 2026-04-01.

Conditions:
MATR3-related disorder. Also called: MATR3-related condition.
Amyotrophic lateral sclerosis type 21. Also called: MYOPATHY, DISTAL, 2; VOCAL CORD AND PHARYNGEAL DYSFUNCTION WITH DISTAL MYOPATHY. Identifiers: Orphanet 600, Orphanet 803, MedGen C3807521, MONDO:0011632, OMIM 606070.

Allele frequency attached by ClinVar (database versions not stated): gnomAD below 0.00001 and 0.00005; TOPMed 0.00001; 1000 Genomes Project 30x 0.00016; ExAC 0.00016; gnomAD exomes 0.00016; 1000 Genomes Project 0.00020.
gnomAD v4.1: 89 of 1,610,514 alleles (0.0055%); highest among the groups gnomAD compares: South Asian, 0.095%; 1 homozygote.

Submissions (3):

CeGaT Center for Human Genetics Tuebingen
Classification: Likely benign. Last evaluated: 2026-04-01. Review status: criteria provided, single submitter. Criteria: CeGaT Center For Human Genetics Tuebingen Variant Classification Criteria Version 2. Collection method: clinical testing. Allele origin: germline. Affected: yes. Observed: 1 variant allele.
Comment: MATR3: BS1

Labcorp Genetics (formerly Invitae), Labcorp
Classification: Likely benign for Amyotrophic lateral sclerosis type 21. Last evaluated: 2025-01-06. Review status: criteria provided, single submitter. Criteria: Invitae Variant Classification Sherloc (09022015). Collection method: clinical testing. Allele origin: germline.

PreventionGenetics, part of Exact Sciences
Classification: Likely benign for MATR3-related condition. Last evaluated: 2022-08-29. Review status: no assertion criteria provided. Collection method: clinical testing. Allele origin: germline. Not counted in ClinVar's aggregate classification.
Comment: This variant is classified as likely benign based on ACMG/AMP sequence variant interpretation guidelines (Richards et al. 2015 PMID: 25741868, with internal and published modifications).